The following is an entry in ClinVar:

NM_030665.4(RAI1):c.3653C>T (p.Pro1218Leu)

Gene: RAI1 (retinoic acid induced 1; plus strand). Cytogenetic location: 17p11.2.
Variant type: single nucleotide variant.
Coding change: c.3653C>T on transcript NM_030665.4 (MANE Select); coding-DNA position 3653, C replaced by T.
Protein change: p.Pro1218Leu; replaces proline 1218 with leucine.
Molecular consequence: missense variant.
Genome position (GRCh38, 1-based): chr17:17,796,601, C>T. VCF-style: chr17-17796601-C-T. GRCh37 (hg19) VCF-style: chr17-17699915-C-T.
Other names: short protein forms P1218L.
Identifiers: ClinVar variation 3375527 (VCV003375527.2).

ClinVar aggregate classification (germline): Uncertain significance (1 of 4 stars; one submission).

Submission:

GeneDx
Classification: Uncertain significance. Last evaluated: 2025-03-29. Review status: criteria provided, single submitter. Criteria: GeneDx Variant Classification Process June 2021. Collection method: clinical testing. Allele origin: germline.
Comment: Not observed at significant frequency in large population cohorts (gnomAD); In silico analysis supports that this missense variant has a deleterious effect on protein structure/function; Has not been previously published as pathogenic or benign to our knowledge